The following is an entry in ClinVar:

NM_000215.4(JAK3):c.926T>C (p.Val309Ala)

Gene: JAK3 (Janus kinase 3; minus strand). Cytogenetic location: 19p13.11.
Variant type: single nucleotide variant.
Coding change: c.926T>C on transcript NM_000215.4 (MANE Select); coding-DNA position 926, T replaced by C.
Protein change: p.Val309Ala; replaces valine 309 with alanine.
Molecular consequence: missense variant.
Genome position (GRCh38, 1-based): chr19:17,841,698, A>G on the plus strand (T>C on the coding strand, the complement: JAK3 is on the minus strand). VCF-style: chr19-17841698-A-G. GRCh37 (hg19) VCF-style: chr19-17952507-A-G.
Other names: short protein forms V309A.
Identifiers: ClinVar variation 1477239 (VCV001477239.8), dbSNP rs2094239394, ClinGen allele CA404771936.

ClinVar aggregate classification (germline): Uncertain significance. Review status: criteria provided, multiple submitters, no conflicts (2 of 4 stars). 2 submissions from 2 submitters: Uncertain significance (2). Last evaluated 2024-10-28.

Conditions:
T-B+ severe combined immunodeficiency due to JAK3 deficiency. Also called: SCID, T CELL-NEGATIVE, B CELL-POSITIVE, NK CELL-NEGATIVE; SCID, autosomal recessive, T-negative/B-positive type. Identifiers: Orphanet 35078, MedGen C1833275, MONDO:0010938, OMIM 600802.

Allele frequency attached by ClinVar (database versions not stated): gnomAD exomes below 0.00001; TOPMed below 0.00001.
gnomAD v4.1: 2 of 1,613,684 alleles (0.00012%); highest among the groups gnomAD compares: Admixed American, 0.0033%; no homozygotes.

Submissions (2):

Labcorp Genetics (formerly Invitae), Labcorp
Classification: Uncertain significance for T-B+ severe combined immunodeficiency due to JAK3 deficiency. Last evaluated: 2024-10-28. Review status: criteria provided, single submitter. Criteria: Invitae Variant Classification Sherloc (09022015). Collection method: clinical testing. Allele origin: germline.
Comment: This sequence change replaces valine, which is neutral and non-polar, with alanine, which is neutral and non-polar, at codon 309 of the JAK3 protein (p.Val309Ala). This variant is not present in population databases (gnomAD no frequency). This variant has not been reported in the literature in individuals affected with JAK3-related conditions. ClinVar contains an entry for this variant (Variation ID: 1477239). Invitae Evidence Modeling of protein sequence and biophysical properties (such as structural, functional, and spatial information, amino acid conservation, physicochemical variation, residue mobility, and thermodynamic stability) indicates that this missense variant is not expected to disrupt JAK3 protein function with a negative predictive value of 95%. In summary, the available evidence is currently insufficient to determine the role of this variant in disease. Therefore, it has been classified as a Variant of Uncertain Significance.

Blueprint Genetics
Classification: Uncertain significance. Last evaluated: 2020-08-24. Review status: criteria provided, single submitter. Criteria: ACMG Guidelines, 2015. Collection method: clinical testing. Allele origin: germline.